The following is an entry in ClinVar:

ClinVar aggregate classification (germline): Likely benign. Review status: criteria provided, multiple submitters, no conflicts (2 of 4 stars). 2 submissions from 2 submitters: Likely benign (2). Last evaluated 2025-09-23.

Conditions:
Mitochondrial hypertrophic cardiomyopathy with lactic acidosis due to MTO1 deficiency. Also called: Combined oxidative phosphorylation deficiency 10; CARDIOMYOPATHY, INFANTILE HYPERTROPHIC MITOCHONDRIAL, AND LACTIC ACIDOSIS. Identifiers: Orphanet 314637, MedGen C4749921, MONDO:0013865, OMIM 614702.

Submissions (2):

Labcorp Genetics (formerly Invitae), Labcorp
Classification: Likely benign for Mitochondrial hypertrophic cardiomyopathy with lactic acidosis due to MTO1 deficiency. Last evaluated: 2025-09-23. Review status: criteria provided, single submitter. Criteria: Invitae Variant Classification Sherloc (09022015). Collection method: clinical testing. Allele origin: germline.

GeneDx
Classification: Likely benign. Last evaluated: 2016-04-14. Review status: criteria provided, single submitter. Criteria: GeneDx Variant Classification (06012015). Collection method: clinical testing. Allele origin: germline. Affected: yes.
Comment: This variant is considered likely benign or benign based on one or more of the following criteria: it is a conservative change, it occurs at a poorly conserved position in the protein, it is predicted to be benign by multiple in silico algorithms, and/or has population frequency not consistent with disease.

NM_012123.4(MTO1):c.939-10del

Gene: MTO1 (mitochondrial tRNA translation optimization 1; plus strand). Cytogenetic location: 6q13.
Variant type: Deletion.
Coding change: c.939-10del on transcript NM_012123.4 (MANE Select); 10 bases into the intron before coding-DNA position 939, one base deleted (T; older notation c.939-10delT).
Molecular consequence: intron variant.
Genome position (GRCh38, 1-based): chr6:73,479,926, T deleted; the last of 2 consecutive T bases (chr6:73,479,925-73,479,926); deleting either gives the same sequence. VCF-style (leftmost placement, unchanged base first): chr6-73479924-GT-G. GRCh37 (hg19) VCF-style: chr6-74189647-GT-G.
Other names: c.939-10del (NM_133645.3, NM_001123226.2); c.939-10delT (NM_012123.3).
Identifiers: ClinVar variation 420785 (VCV000420785.5), dbSNP rs1064794699, ClinGen allele CA16618304.